The following is an entry in ClinVar:

NM_020247.5(COQ8A):c.308C>T (p.Ala103Val)

Gene: COQ8A (coenzyme Q8A; plus strand). Cytogenetic location: 1q42.13.
Variant type: single nucleotide variant.
Coding change: c.308C>T on transcript NM_020247.5 (MANE Select); coding-DNA position 308, C replaced by T.
Protein change: p.Ala103Val; replaces alanine 103 with valine.
Molecular consequence: missense variant.
Genome position (GRCh38, 1-based): chr1:226,965,130, C>T. VCF-style: chr1-226965130-C-T. GRCh37 (hg19) VCF-style: chr1-227152831-C-T.
Other names: short protein forms A103V.
Identifiers: ClinVar variation 1704970 (VCV001704970.4), dbSNP rs775747227, ClinGen allele CA1424984.

ClinVar aggregate classification (germline): Uncertain significance. Review status: criteria provided, multiple submitters, no conflicts (2 of 4 stars). 2 submissions from 2 submitters: Uncertain significance (2). Last evaluated 2023-04-14.

Allele frequency attached by ClinVar (database versions not stated): ExAC 0.00002; gnomAD 0.00004; TOPMed 0.00004; gnomAD exomes 0.00005.
gnomAD v4.1: 72 of 1,613,864 alleles (0.0045%); highest among the groups gnomAD compares: Non-Finnish European, 0.0057%; no homozygotes.

Submissions (2):

GeneDx
Classification: Uncertain significance. Last evaluated: 2023-04-14. Review status: criteria provided, single submitter. Criteria: GeneDx Variant Classification Process June 2021. Collection method: clinical testing. Allele origin: germline. Affected: yes.
Comment: Not observed at significant frequency in large population cohorts (gnomAD); In silico analysis supports that this missense variant does not alter protein structure/function; Has not been previously published as pathogenic or benign to our knowledge; In silico analysis suggests this variant may impact gene splicing. In the absence of RNA/functional studies, the actual effect of this sequence change is unknown.

Labcorp Genetics (formerly Invitae), Labcorp
Classification: Uncertain significance. Last evaluated: 2022-03-14. Review status: criteria provided, single submitter. Criteria: Invitae Variant Classification Sherloc (09022015). Collection method: clinical testing. Allele origin: germline.
Comment: This sequence change replaces alanine, which is neutral and non-polar, with valine, which is neutral and non-polar, at codon 103 of the COQ8A protein (p.Ala103Val). This variant is present in population databases (rs775747227, gnomAD 0.004%). This variant has not been reported in the literature in individuals affected with COQ8A-related conditions. Advanced modeling of protein sequence and biophysical properties (such as structural, functional, and spatial information, amino acid conservation, physicochemical variation, residue mobility, and thermodynamic stability) performed at Invitae indicates that this missense variant is not expected to disrupt COQ8A protein function. Algorithms developed to predict the effect of sequence changes on RNA splicing suggest that this variant may create or strengthen a splice site. In summary, the available evidence is currently insufficient to determine the role of this variant in disease. Therefore, it has been classified as a Variant of Uncertain Significance.